The following is an entry in ClinVar:

ClinVar aggregate classification (germline): Uncertain significance (1 of 4 stars; one submission).

Submission:

Labcorp Genetics (formerly Invitae), Labcorp
Classification: Uncertain significance. Last evaluated: 2021-12-13. Review status: criteria provided, single submitter. Criteria: Invitae Variant Classification Sherloc (09022015). Collection method: clinical testing. Allele origin: germline.
Comment: In summary, the available evidence is currently insufficient to determine the role of this variant in disease. Therefore, it has been classified as a Variant of Uncertain Significance. Algorithms developed to predict the effect of missense changes on protein structure and function are either unavailable or do not agree on the potential impact of this missense change (SIFT: "Deleterious"; PolyPhen-2: "Probably Damaging"; Align-GVGD: "Class C15"). This variant has not been reported in the literature in individuals affected with DIAPH3-related conditions. This variant is not present in population databases (gnomAD no frequency). This sequence change replaces leucine, which is neutral and non-polar, with phenylalanine, which is neutral and non-polar, at codon 757 of the DIAPH3 protein (p.Leu757Phe).

NM_001042517.2(DIAPH3):c.2271A>C (p.Leu757Phe)

Gene: DIAPH3 (diaphanous related formin 3; minus strand). Cytogenetic location: 13q21.2.
Variant type: single nucleotide variant.
Coding change: c.2271A>C on transcript NM_001042517.2 (MANE Select); coding-DNA position 2271, A replaced by C.
Protein change: p.Leu757Phe; replaces leucine 757 with phenylalanine.
Molecular consequence: missense variant.
Genome position (GRCh38, 1-based): chr13:59,911,831, T>G on the plus strand (A>C on the coding strand, the complement: DIAPH3 is on the minus strand). VCF-style: chr13-59911831-T-G. GRCh37 (hg19) VCF-style: chr13-60485965-T-G.
Other names: c.2238A>C, p.Leu746Phe (NM_001258366.2); c.2133A>C, p.Leu711Phe (NM_001258367.2); c.2061A>C, p.Leu687Phe (NM_001258368.2); c.2271A>C, p.Leu757Phe (NM_001258369.2); c.1482A>C, p.Leu494Phe (NM_001258370.2, NM_030932.4); short protein forms L711F, L746F, L494F, L687F, L757F.
Identifiers: ClinVar variation 1493073 (VCV001493073.6), dbSNP rs2140238192, ClinGen allele CA388331096.